The following is an entry in ClinVar:

NM_002207.3(ITGA9):c.1691G>A (p.Arg564Gln)

Gene: ITGA9 (integrin subunit alpha 9; plus strand). Cytogenetic location: 3p22.2.
Variant type: single nucleotide variant.
Coding change: c.1691G>A on transcript NM_002207.3 (MANE Select); coding-DNA position 1691, G replaced by A.
Protein change: p.Arg564Gln; replaces arginine 564 with glutamine.
Molecular consequence: missense variant.
Genome position (GRCh38, 1-based): chr3:37,629,188, G>A. VCF-style: chr3-37629188-G-A. GRCh37 (hg19) VCF-style: chr3-37670679-G-A.
Other names: NC_000003.11:g.37670679G>A; short protein forms R564Q.
Identifiers: ClinVar variation 2653660 (VCV002653660.26), dbSNP rs61751189, ClinGen allele CA2310904.
Genomic context (GRCh38, chr3:37,629,188, plus strand): 5'-TGCTCTACGACTGTCAGCCAGGATTAGTAGTTAATGCACGTATTTGTTTATTGTTTCAGC[G>A]GAGGGTGCAGGACGTCATCAGCCCGATCGTGTTTGAAGCAGCCTACAGCCTCAGTGAGCA-3'
Protein context (NP_002198.2, residues 554-574): TCRHYVAHVK[Arg564Gln]RVQDVISPIV

ClinVar aggregate classification (germline): Benign. Review status: criteria provided, single submitter (1 of 4 stars). 2 submissions from 2 submitters: Benign (1). 1 of the submissions does not count toward it. Last evaluated 2022-08-01.

Conditions:
ITGA9-related disorder. Also called: ITGA9-related condition.

Allele frequency attached by ClinVar (database versions not stated): 1000 Genomes Project 0.00100; 1000 Genomes Project 30x 0.00109; TOPMed 0.00316; gnomAD 0.00331; ExAC 0.00347; ESP Exome Variant Server 0.00484; gnomAD exomes 0.00485.
gnomAD v4.1: 7,560 of 1,612,580 alleles (0.47%); highest among the groups gnomAD compares: Middle Eastern, 0.93%; 33 homozygotes.

Submissions (16):

CeGaT Center for Human Genetics Tuebingen
Classification: Benign. Last evaluated: 2022-08-01. Review status: criteria provided, single submitter. Criteria: CeGaT Center For Human Genetics Tuebingen Variant Classification Criteria Version 2. Collection method: clinical testing. Allele origin: germline. Affected: yes. Observed: 1 variant allele.
Comment: ITGA9: PP3, BS1, BS2

PreventionGenetics, part of Exact Sciences
Classification: Likely benign for ITGA9-related condition. Last evaluated: 2019-05-22. Review status: no assertion criteria provided. Collection method: clinical testing. Allele origin: germline. Not counted in ClinVar's aggregate classification.
Comment: This variant is classified as likely benign based on ACMG/AMP sequence variant interpretation guidelines (Richards et al. 2015 PMID: 25741868, with internal and published modifications).

Dr. Peter K. Rogan Lab, Western University
No classification provided (evidence only). Condition: Lung cancer. Review status: no classification provided. Collection method: in vitro. Allele origin: not applicable. Functional consequence: retained intron. Not counted in ClinVar's aggregate classification.

Dr. Peter K. Rogan Lab, Western University
No classification provided (evidence only). Condition: Lung cancer. Review status: no classification provided. Collection method: in vitro. Allele origin: not applicable. Functional consequence: retained intron. Not counted in ClinVar's aggregate classification.

Dr. Peter K. Rogan Lab, Western University
No classification provided (evidence only). Condition: Melanoma. Review status: no classification provided. Collection method: in vitro. Allele origin: not applicable. Functional consequence: retained intron. Not counted in ClinVar's aggregate classification.

Dr. Peter K. Rogan Lab, Western University
No classification provided (evidence only). Condition: Familial cancer of breast. Review status: no classification provided. Collection method: in vitro. Allele origin: not applicable. Functional consequence: retained intron. Not counted in ClinVar's aggregate classification.

Dr. Peter K. Rogan Lab, Western University
No classification provided (evidence only). Condition: Familial cancer of breast. Review status: no classification provided. Collection method: in vitro. Allele origin: not applicable. Functional consequence: retained intron. Not counted in ClinVar's aggregate classification.

Dr. Peter K. Rogan Lab, Western University
No classification provided (evidence only). Condition: Colon adenocarcinoma. Review status: no classification provided. Collection method: in vitro. Allele origin: not applicable. Functional consequence: retained intron. Not counted in ClinVar's aggregate classification.

Dr. Peter K. Rogan Lab, Western University
No classification provided (evidence only). Condition: Thyroid cancer, nonmedullary, 1. Review status: no classification provided. Collection method: in vitro. Allele origin: not applicable. Functional consequence: retained intron. Not counted in ClinVar's aggregate classification.

Dr. Peter K. Rogan Lab, Western University
No classification provided (evidence only). Condition: Thymoma. Review status: no classification provided. Collection method: in vitro. Allele origin: not applicable. Functional consequence: retained intron. Not counted in ClinVar's aggregate classification.

Dr. Peter K. Rogan Lab, Western University
No classification provided (evidence only). Condition: Ovarian serous cystadenocarcinoma. Review status: no classification provided. Collection method: in vitro. Allele origin: not applicable. Functional consequence: cryptic splice site. Not counted in ClinVar's aggregate classification.

Dr. Peter K. Rogan Lab, Western University
No classification provided (evidence only). Condition: Gastric cancer. Review status: no classification provided. Collection method: in vitro. Allele origin: not applicable. Functional consequence: cryptic splice site. Not counted in ClinVar's aggregate classification.

Dr. Peter K. Rogan Lab, Western University
No classification provided (evidence only). Condition: Gastric cancer. Review status: no classification provided. Collection method: in vitro. Allele origin: not applicable. Functional consequence: cryptic splice site. Not counted in ClinVar's aggregate classification.

Dr. Peter K. Rogan Lab, Western University
No classification provided (evidence only). Condition: Familial pancreatic carcinoma. Review status: no classification provided. Collection method: in vitro. Allele origin: not applicable. Functional consequence: cryptic splice site, retained intron. Not counted in ClinVar's aggregate classification.

Dr. Peter K. Rogan Lab, Western University
No classification provided (evidence only). Condition: Ovarian cancer. Review status: no classification provided. Collection method: in vitro. Allele origin: not applicable. Functional consequence: skipped exon. Not counted in ClinVar's aggregate classification.

Dr. Peter K. Rogan Lab, Western University
No classification provided (evidence only). Condition: Ovarian cancer. Review status: no classification provided. Collection method: in vitro. Allele origin: not applicable. Functional consequence: cryptic splice site, retained intron. Not counted in ClinVar's aggregate classification.